The following is an entry in ClinVar:

NM_000426.4(LAMA2):c.4909G>A (p.Glu1637Lys)

Gene: LAMA2 (laminin subunit alpha 2; plus strand). Cytogenetic location: 6q22.33.
Variant type: single nucleotide variant.
Coding change: c.4909G>A on transcript NM_000426.4 (MANE Select); coding-DNA position 4909, G replaced by A.
Protein change: p.Glu1637Lys; replaces glutamic acid 1637 with lysine.
Molecular consequence: missense variant.
Genome position (GRCh38, 1-based): chr6:129,369,940, G>A. VCF-style: chr6-129369940-G-A. GRCh37 (hg19) VCF-style: chr6-129691085-G-A.
Other names: p.Glu1637Lys; c.4909G>A, p.Glu1637Lys (NM_001079823.2); short protein forms E1637K.
Identifiers: ClinVar variation 477478 (VCV000477478.26), dbSNP rs138303386, ClinGen allele CA3993714.
Genomic context (GRCh38, chr6:129,369,940, plus strand): 5'-AATCTTTTTCAGCACTTGCTGTCACCTCAGCGGGCCCCAGAGAGGCTTATTCAGCTGGCA[G>A]AGGGCAATCTGAATACACTCGTGACCGAAATGAACGAGCTGCTGACCAGGGTAAGGTGGC-3'
Protein context (NP_000417.3, residues 1627-1647): RAPERLIQLA[Glu1637Lys]GNLNTLVTEM

ClinVar aggregate classification (germline): Conflicting classifications of pathogenicity. Review status: criteria provided, conflicting classifications (1 of 4 stars). 7 submissions from 7 submitters: Uncertain significance (5); Likely benign (2). Last evaluated 2025-12-21.

Conditions:
Inborn genetic diseases. Identifiers: MedGen C0950123, MeSH D030342.
Congenital muscular dystrophy due to partial LAMA2 deficiency. Identifiers: MedGen C1842898.
LAMA2-related muscular dystrophy (LAMA2-RD). Also called: Laminin alpha 2-related dystrophy. Identifiers: MedGen C5679788, MONDO:0100228.

Allele frequency attached by ClinVar (database versions not stated): gnomAD 0.00019; 1000 Genomes Project 0.00020; ESP Exome Variant Server 0.00023; 1000 Genomes Project 30x 0.00031; TOPMed 0.00037.
gnomAD v4.1: 104 of 1,614,158 alleles (0.0064%); highest among the groups gnomAD compares: African/African-American, 0.11%; no homozygotes.

Submissions (7):

Labcorp Genetics (formerly Invitae), Labcorp
Classification: Likely benign for LAMA2-related muscular dystrophy. Last evaluated: 2025-12-21. Review status: criteria provided, single submitter. Criteria: Invitae Variant Classification Sherloc (09022015). Collection method: clinical testing. Allele origin: germline.

Mayo Clinic Laboratories, Mayo Clinic
Classification: Uncertain significance. Last evaluated: 2025-08-28. Review status: criteria provided, single submitter. Criteria: ACMG Guidelines, 2015. Collection method: clinical testing. Allele origin: germline. Observed: 1 variant allele.
Comment: BP4_moderate

GeneDx
Classification: Uncertain significance. Last evaluated: 2025-01-10. Review status: criteria provided, single submitter. Criteria: GeneDx Variant Classification Process June 2021. Collection method: clinical testing. Allele origin: germline. Affected: yes.
Comment: Identified in one individual in a cohort of 1040 patients with dilated cardiomyopathy and also present in one of 912 healthy controls (PMID: 31983221); In silico analysis indicates that this missense variant does not alter protein structure/function; This variant is associated with the following publications: (PMID: 31983221)

Revvity Omics, Revvity
Classification: Likely benign. Last evaluated: 2024-10-04. Review status: criteria provided, single submitter. Criteria: ACMG Guidelines, 2015. Collection method: clinical testing. Allele origin: germline.

Ambry Genetics
Classification: Uncertain significance for Inborn genetic diseases. Last evaluated: 2021-06-03. Review status: criteria provided, single submitter. Criteria: Ambry Variant Classification Scheme 2023. Collection method: clinical testing. Allele origin: germline.

Athena Diagnostics
Classification: Uncertain significance. Last evaluated: 2018-04-27. Review status: criteria provided, single submitter. Criteria: Athena Diagnostics Criteria. Collection method: clinical testing. Allele origin: germline.

Illumina Laboratory Services, Illumina
Classification: Uncertain significance for Congenital muscular dystrophy due to partial LAMA2 deficiency. Last evaluated: 2018-01-12. Review status: criteria provided, single submitter. Criteria: ICSL Variant Classification Criteria 13 December 2019. Collection method: clinical testing. Allele origin: germline.

Literature cited by the submitters: PubMed 31983221 (cited by Mayo Clinic Laboratories, Mayo Clinic).